The following is an entry in ClinVar:

NM_001005373.4(LRSAM1):c.64A>T (p.Met22Leu)

Gene: LRSAM1 (leucine rich repeat and sterile alpha motif containing 1; plus strand). Cytogenetic location: 9q33.3.
Variant type: single nucleotide variant.
Coding change: c.64A>T on transcript NM_001005373.4 (MANE Select); coding-DNA position 64, A replaced by T.
Protein change: p.Met22Leu; replaces methionine 22 with leucine.
Molecular consequence: missense variant. On other transcripts: 5 prime UTR variant (1), non-coding transcript variant (2).
Genome position (GRCh38, 1-based): chr9:127,454,591, A>T. VCF-style: chr9-127454591-A-T. GRCh37 (hg19) VCF-style: chr9-130216870-A-T.
Other names: c.64A>T, p.Met22Leu (NM_001005374.4, NM_001190723.3, NM_001384142.1 and 2 more transcripts); c.-721A>T (NM_001384144.1); short protein forms M22L.
Identifiers: ClinVar variation 567610 (VCV000567610.8), dbSNP rs769236666, ClinGen allele CA5246357.
Genomic context (GRCh38, chr9:127,454,591, plus strand): 5'-CCGCTCTTCTTCCGGAAGCGGAAACCCAGTGAGGAGGCTCGGAAACGCCTGGAGTACCAG[A>T]TGTGTTTGGTGAGGGAAAGTGGGTTTCCTCTAACTCTATCCCATCTCCTCCTCGGTCCCC-3'
Protein context (NP_001005373.1, residues 12-32): EEARKRLEYQ[Met22Leu]CLAKEAGADD

ClinVar aggregate classification (germline): Uncertain significance (1 of 4 stars; one submission).

Conditions:
Charcot-Marie-Tooth disease axonal type 2P. Also called: CHARCOT-MARIE-TOOTH DISEASE, AXONAL, TYPE 2G; CMT 2G; CHARCOT-MARIE-TOOTH NEUROPATHY, TYPE 2P; Charcot-Marie-Tooth Neuropathy Type 2G. Identifiers: Orphanet 300319, Orphanet 99941, MedGen C3280797, MONDO:0013753, OMIM 614436.

Allele frequency attached by ClinVar (database versions not stated): TOPMed below 0.00001; ExAC 0.00001; gnomAD exomes 0.00001.

Submission:

Labcorp Genetics (formerly Invitae), Labcorp
Classification: Uncertain significance for Charcot-Marie-Tooth disease axonal type 2P. Last evaluated: 2018-06-11. Review status: criteria provided, single submitter. Criteria: Invitae Variant Classification Sherloc (09022015). Collection method: clinical testing. Allele origin: germline.
Comment: In summary, the available evidence is currently insufficient to determine the role of this variant in disease. Therefore, it has been classified as a Variant of Uncertain Significance. Algorithms developed to predict the effect of missense changes on protein structure and function (SIFT, PolyPhen-2, Align-GVGD) all suggest that this variant is likely to be tolerated, but these predictions have not been confirmed by published functional studies and their clinical significance is uncertain. This variant has not been reported in the literature in individuals with LRSAM1-related disease. This variant is present in population databases (rs769236666, ExAC 0.01%). This sequence change replaces methionine with leucine at codon 22 of the LRSAM1 protein (p.Met22Leu). The methionine residue is highly conserved and there is a small physicochemical difference between methionine and leucine.